The following is an entry in ClinVar:

NM_201378.4(PLEC):c.70+2T>C

Gene: PLEC (plectin; minus strand). Cytogenetic location: 8q24.3.
Variant type: single nucleotide variant.
Coding change: c.70+2T>C on transcript NM_201378.4 (MANE Plus Clinical); the canonical splice donor site of the intron after coding-DNA position 70, T replaced by C.
Molecular consequence: splice donor variant. On other transcripts: intron variant (2).
Genome position (GRCh38, 1-based): chr8:143,973,401, A>G on the plus strand (T>C on the coding strand, the complement: PLEC is on the minus strand). VCF-style: chr8-143973401-A-G. GRCh37 (hg19) VCF-style: chr8-145047569-A-G.
Other names: c.193+1776T>C (NM_001410941.1, NM_000445.5).
Identifiers: ClinVar variation 1124265 (VCV001124265.13), dbSNP rs2132991287, ClinGen allele CA372487851.
Genomic context (GRCh38, chr8:143,973,401, plus strand): 5'-AAGGTGCTCGGCGGCTGGGCTGTCAGGAGCGGCCCGACAGGCAGCGGGACGGGGGGCCGT[A>G]CCTTTGTACTTCTCGCGCACCTCCTCGTAGGCCTGGATGAAGTCCTGCTCGTCGGGCAGC-3'

ClinVar aggregate classification (germline): Conflicting classifications of pathogenicity. Review status: criteria provided, conflicting classifications (1 of 4 stars). 2 submissions from 2 submitters: Likely pathogenic (1); Uncertain significance (1). Last evaluated 2025-12-01.

Conditions:
Epidermolysis bullosa simplex with nail dystrophy (EBS5D). Identifiers: MedGen C4225309, MONDO:0014661, OMIM 616487.
Autosomal recessive limb-girdle muscular dystrophy type 2Q (LGMDR17). Also called: MUSCULAR DYSTROPHY, LIMB-GIRDLE, AUTOSOMAL RECESSIVE 17. Identifiers: Orphanet 254361, MedGen C3150989, MONDO:0013390, OMIM 613723.
Epidermolysis bullosa simplex, Ogna type (EBS5A). Also called: Pidermolysis bullosa simplex 5A, Ogna type; EPIDERMOLYSIS BULLOSA SIMPLEX 5A, OGNA TYPE. Identifiers: Orphanet 79401, MedGen C0432317, MONDO:0007555, OMIM 131950.
Epidermolysis bullosa simplex 5B, with muscular dystrophy (EBS5B). Also called: Epidermolysis bullosa simplex with muscular dystrophy; EPIDERMOLYSIS BULLOSA SIMPLEX AND LIMB-GIRDLE MUSCULAR DYSTROPHY. Identifiers: Orphanet 257, MedGen C2931072, MONDO:0009181, OMIM 226670.
Epidermolysis bullosa simplex 5C, with pyloric atresia (EBS5C). Also called: PLEC-Related Epidermolysis Bullosa with Pyloric Atresia; Epidermolysis bullosa simplex with pyloric atresia; PLEC1-Related Epidermolysis Bullosa with Pyloric Atresia. Identifiers: Orphanet 158684, MedGen C2677349, MONDO:0012807, OMIM 612138.

Submissions (2):

CeGaT Center for Human Genetics Tuebingen
Classification: Uncertain significance. Last evaluated: 2025-12-01. Review status: criteria provided, single submitter. Criteria: CeGaT Center For Human Genetics Tuebingen Variant Classification Criteria Version 2. Collection method: clinical testing. Allele origin: germline. Affected: yes. Observed: 1 variant allele.
Comment: PLEC: PM2, PVS1:Moderate, PM3:Supporting

Labcorp Genetics (formerly Invitae), Labcorp
Classification: Likely pathogenic for Autosomal recessive limb-girdle muscular dystrophy type 2Q; Epidermolysis bullosa simplex, Ogna type; Epidermolysis bullosa simplex with nail dystrophy; Epidermolysis bullosa simplex 5C, with pyloric atresia; Epidermolysis bullosa simplex 5B, with muscular dystrophy. Last evaluated: 2024-02-17. Review status: criteria provided, single submitter. Criteria: Invitae Variant Classification Sherloc (09022015). Collection method: clinical testing. Allele origin: germline.
Comment: The PLEC gene has multiple clinically relevant transcripts. This variant occurs in alternate transcript NM_201378.3, and corresponds to NM_000445.4:c.193+1776T>C in the primary transcript. This sequence change affects a donor splice site in intron 2 of the PLEC gene. It is expected to disrupt RNA splicing. Variants that disrupt the donor or acceptor splice site typically lead to a loss of protein function (PMID: 16199547), and loss-of-function variants in PLEC are known to be pathogenic (PMID: 20301336, 20447487, 21109228, 23289980, 28824526). This variant is not present in population databases (gnomAD no frequency). This variant has not been reported in the literature in individuals affected with PLEC-related conditions. ClinVar contains an entry for this variant (Variation ID: 1124265). Algorithms developed to predict the effect of sequence changes on RNA splicing suggest that this variant is not likely to affect RNA splicing. In summary, the currently available evidence indicates that the variant is pathogenic, but additional data are needed to prove that conclusively. Therefore, this variant has been classified as Likely Pathogenic.

Literature cited by the submitters: PubMed 16199547 (cited by Labcorp Genetics (formerly Invitae), Labcorp); PubMed 20301336 (cited by Labcorp Genetics (formerly Invitae), Labcorp); PubMed 20447487 (cited by Labcorp Genetics (formerly Invitae), Labcorp); PubMed 21109228 (cited by Labcorp Genetics (formerly Invitae), Labcorp); PubMed 23289980 (cited by Labcorp Genetics (formerly Invitae), Labcorp); PubMed 28824526 (cited by Labcorp Genetics (formerly Invitae), Labcorp).